The following is an entry in ClinVar:

ClinVar aggregate classification (germline): Uncertain significance (1 of 4 stars; one submission).

Conditions:
PEX13-related disorder. Also called: PEX13-related condition; PEX13-related disorders.

Submission:

PreventionGenetics, part of Exact Sciences
Classification: Uncertain significance for PEX13-related condition. Last evaluated: 2025-08-01. Review status: criteria provided, single submitter. Criteria: ACMG Guidelines, 2015. Collection method: clinical testing. Allele origin: germline.
Comment: The PEX13 c.661C>T variant is predicted to result in the amino acid substitution p.Leu221Phe. To our knowledge, this variant has not been reported in the literature or in a large population database (gnomAD), indicating this variant is rare. At this time, the clinical significance of this variant is uncertain due to the absence of conclusive functional and genetic evidence.

NM_002618.4(PEX13):c.661C>T (p.Leu221Phe)

Gene: PEX13 (peroxisomal biogenesis factor 13; plus strand). Cytogenetic location: 2p15.
Variant type: single nucleotide variant.
Coding change: c.661C>T on transcript NM_002618.4 (MANE Select); coding-DNA position 661, C replaced by T.
Protein change: p.Leu221Phe; replaces leucine 221 with phenylalanine.
Molecular consequence: missense variant.
Genome position (GRCh38, 1-based): chr2:61,031,987, C>T. VCF-style: chr2-61031987-C-T. GRCh37 (hg19) VCF-style: chr2-61259122-C-T.
Other names: short protein forms L221F.
Identifiers: ClinVar variation 5002575 (VCV005002575.1).